The following is an entry in ClinVar:

ClinVar aggregate classification (germline): Uncertain significance. Review status: criteria provided, multiple submitters, no conflicts (2 of 4 stars). 4 submissions from 4 submitters: Uncertain significance (4). Last evaluated 2025-05-23.

Conditions:
Combined immunodeficiency due to LRBA deficiency. Also called: Common variable immunodeficiency 8, with autoimmunity. Identifiers: Orphanet 445018, MedGen C3553512, MONDO:0013863, OMIM 614700.

gnomAD v4.1: 2 of 1,470,836 alleles (0.00014%); highest among the groups gnomAD compares: African/African-American, 0.0028%; no homozygotes.

Submissions (4):

Department of Pediatrics and Child Health, Lancet General Hospital
Classification: Uncertain significance for Combined immunodeficiency due to LRBA deficiency. Last evaluated: 2025-05-23. Review status: criteria provided, single submitter. Criteria: ACMG Guidelines, 2015. Collection method: provider interpretation. Allele origin: germline. Inheritance: Autosomal recessive inheritance. Affected: no. Observed: 1 variant allele, 1 heterozygote.
Comment: This sequence change is an intronic substitution located at the +5 position of an intron in the LRBA gene. It replaces a Cytosine with a Guanine (c.6667+5C>G) at intron 43. Because it occurs within the donor splice region, it may alter normal mRNA splicing(PMID: 17576681). However, the exact impact on transcription and the final protein sequence is not yet established (p.?). This variant is not found in large genomic databases like genomAD but is found in dbSNP ID: rs751485504. This variant has entry in ClinVar(variant ID: 636333 and VCV000636333.6). There is no report of this variant in individuals affected by LRBA deficiency. Furthermore, there is currently insufficient scientific evidence to establish whether this specific alteration is pathogenic or merely a benign, natural variation.

CeGaT Center for Human Genetics Tuebingen
Classification: Uncertain significance. Last evaluated: 2025-03-01. Review status: criteria provided, single submitter. Criteria: CeGaT Center For Human Genetics Tuebingen Variant Classification Criteria Version 2. Collection method: clinical testing. Allele origin: germline. Affected: yes. Observed: 1 variant allele.
Comment: LRBA: PM2, BP4

Blueprint Genetics
Classification: Uncertain significance. Last evaluated: 2024-09-23. Review status: criteria provided, single submitter. Criteria: ACMG Guidelines, 2015. Collection method: clinical testing. Allele origin: germline.

Labcorp Genetics (formerly Invitae), Labcorp
Classification: Uncertain significance for Combined immunodeficiency due to LRBA deficiency. Last evaluated: 2023-11-01. Review status: criteria provided, single submitter. Criteria: Invitae Variant Classification Sherloc (09022015). Collection method: clinical testing. Allele origin: germline.
Comment: This sequence change falls in intron 44 of the LRBA gene. It does not directly change the encoded amino acid sequence of the LRBA protein. It affects a nucleotide within the consensus splice site. This variant is not present in population databases (gnomAD no frequency). This variant has not been reported in the literature in individuals affected with LRBA-related conditions. ClinVar contains an entry for this variant (Variation ID: 636333). Variants that disrupt the consensus splice site are a relatively common cause of aberrant splicing (PMID: 17576681, 9536098). Algorithms developed to predict the effect of sequence changes on RNA splicing suggest that this variant is not likely to affect RNA splicing. In summary, the available evidence is currently insufficient to determine the role of this variant in disease. Therefore, it has been classified as a Variant of Uncertain Significance.

Literature cited by the submitters: PubMed 17576681 (cited by Department of Pediatrics and Child Health, Lancet General Hospital and Labcorp Genetics (formerly Invitae), Labcorp); PubMed 9536098 (cited by Labcorp Genetics (formerly Invitae), Labcorp).

NM_001364905.1(LRBA):c.6667+5C>G

Gene: LRBA (LPS responsive beige-like anchor protein; minus strand). Cytogenetic location: 4q31.3.
Variant type: single nucleotide variant.
Coding change: c.6667+5C>G on transcript NM_001364905.1 (MANE Select); 5 bases into the intron after coding-DNA position 6667, C replaced by G.
Molecular consequence: intron variant.
Genome position (GRCh38, 1-based): chr4:150,471,619, G>C on the plus strand (C>G on the coding strand, the complement: LRBA is on the minus strand). VCF-style: chr4-150471619-G-C. GRCh37 (hg19) VCF-style: chr4-151392771-G-C.
Other names: c.6667+5C>G (NM_001367550.1, NM_001199282.3, NM_001440431.1); c.6700+5C>G (NM_006726.5, NM_001440430.1); c.370+5C>G (NM_001440432.1); c.364+5C>G (NM_001440433.1).
Identifiers: ClinVar variation 636333 (VCV000636333.11), dbSNP rs751485504, ClinGen allele CA915943223.